The following is an entry in ClinVar:

ClinVar aggregate classification (germline): Uncertain significance (1 of 4 stars; one submission).

Conditions:
FOXJ1-related disorder. Also called: FOXJ1-related condition.

Submission:

PreventionGenetics, part of Exact Sciences
Classification: Uncertain significance for FOXJ1-related condition. Last evaluated: 2023-07-12. Review status: criteria provided, single submitter. Criteria: ACMG Guidelines, 2015. Collection method: clinical testing. Allele origin: germline.
Comment: The FOXJ1 c.1116C>G variant is predicted to result in the amino acid substitution p.Phe372Leu. To our knowledge, this variant has not been reported in the literature or in a large population database, indicating this variant is rare. At this time, the clinical significance of this variant is uncertain due to the absence of conclusive functional and genetic evidence.

NM_001454.4(FOXJ1):c.1116C>G (p.Phe372Leu)

Gene: FOXJ1 (forkhead box J1; minus strand). Cytogenetic location: 17q25.1.
Variant type: single nucleotide variant.
Coding change: c.1116C>G on transcript NM_001454.4 (MANE Select); coding-DNA position 1116, C replaced by G.
Protein change: p.Phe372Leu; replaces phenylalanine 372 with leucine.
Molecular consequence: missense variant.
Genome position (GRCh38, 1-based): chr17:76,137,503, G>C on the plus strand (C>G on the coding strand, the complement: FOXJ1 is on the minus strand). VCF-style: chr17-76137503-G-C. GRCh37 (hg19) VCF-style: chr17-74133584-G-C.
Other names: short protein forms F372L.
Identifiers: ClinVar variation 2631610 (VCV002631610.1), dbSNP rs147424553, ClinGen allele CA401103873.